The following is an entry in ClinVar:

ClinVar aggregate classification (germline): Uncertain significance (1 of 4 stars; one submission).

Allele frequency attached by ClinVar (database versions not stated): gnomAD 0.00001; TOPMed 0.00003.
gnomAD v4.1: 86 of 1,613,966 alleles (0.0053%); highest among the groups gnomAD compares: Non-Finnish European, 0.0065%; no homozygotes.

Submission:

Labcorp Genetics (formerly Invitae), Labcorp
Classification: Uncertain significance. Last evaluated: 2022-07-08. Review status: criteria provided, single submitter. Criteria: Invitae Variant Classification Sherloc (09022015). Collection method: clinical testing. Allele origin: germline.
Comment: In summary, the available evidence is currently insufficient to determine the role of this variant in disease. Therefore, it has been classified as a Variant of Uncertain Significance. Algorithms developed to predict the effect of sequence changes on RNA splicing suggest that this variant may disrupt the consensus splice site. This variant has not been reported in the literature in individuals affected with MAPKBP1-related conditions. This variant is present in population databases (no rsID available, gnomAD 0.003%). This sequence change affects codon 926 of the MAPKBP1 mRNA. It is a 'silent' change, meaning that it does not change the encoded amino acid sequence of the MAPKBP1 protein.

NM_014994.3(MAPKBP1):c.2760C>G (p.Ser920=)

Gene: MAPKBP1 (mitogen-activated protein kinase binding protein 1; plus strand). Cytogenetic location: 15q15.1.
Variant type: single nucleotide variant.
Coding change: c.2760C>G on transcript NM_014994.3 (MANE Select); coding-DNA position 2760, C replaced by G.
Protein change: p.Ser920=; no amino-acid change (serine 920 retained).
Molecular consequence: synonymous variant. On other transcripts: non-coding transcript variant (2).
Genome position (GRCh38, 1-based): chr15:41,821,625, C>G. VCF-style: chr15-41821625-C-G. GRCh37 (hg19) VCF-style: chr15-42113823-C-G.
Other names: c.2778C>G, p.Ser926= (NM_001128608.2); c.2760C>G, p.Ser920= (NM_001265611.2).
Identifiers: ClinVar variation 1930796 (VCV001930796.5), dbSNP rs761098056, ClinGen allele CA489841243.